The following is an entry in ClinVar:

ClinVar aggregate classification (germline): Uncertain significance (1 of 4 stars; one submission).

Conditions:
Early Myoclonic Encephalopathy. Identifiers: MedGen C0270855.

Allele frequency attached by ClinVar (database versions not stated): gnomAD exomes 0.00003 and 0.00002; ExAC 0.00004.
gnomAD v4.1: 10 of 1,614,176 alleles (0.00062%); highest among the groups gnomAD compares: East Asian, 0.0045%; no homozygotes.

Submission:

Labcorp Genetics (formerly Invitae), Labcorp
Classification: Uncertain significance for Early Myoclonic Encephalopathy. Last evaluated: 2022-03-19. Review status: criteria provided, single submitter. Criteria: Invitae Variant Classification Sherloc (09022015). Collection method: clinical testing. Allele origin: germline.
Comment: In summary, the available evidence is currently insufficient to determine the role of this variant in disease. Therefore, it has been classified as a Variant of Uncertain Significance. Algorithms developed to predict the effect of missense changes on protein structure and function (SIFT, PolyPhen-2, Align-GVGD) all suggest that this variant is likely to be tolerated. ClinVar contains an entry for this variant (Variation ID: 1039293). This variant has not been reported in the literature in individuals affected with JMJD1C-related conditions. This variant is present in population databases (rs758453317, gnomAD 0.02%). This sequence change replaces aspartic acid, which is acidic and polar, with asparagine, which is neutral and polar, at codon 1404 of the JMJD1C protein (p.Asp1404Asn).

NM_032776.3(JMJD1C):c.4210G>A (p.Asp1404Asn)

Gene: JMJD1C (jumonji domain containing 1C; minus strand). Cytogenetic location: 10q21.3.
Variant type: single nucleotide variant.
Coding change: c.4210G>A on transcript NM_032776.3 (MANE Select); coding-DNA position 4210, G replaced by A.
Protein change: p.Asp1404Asn; replaces aspartic acid 1404 with asparagine.
Molecular consequence: missense variant. On other transcripts: non-coding transcript variant (1).
Genome position (GRCh38, 1-based): chr10:63,207,459, C>T on the plus strand (G>A on the coding strand, the complement: JMJD1C is on the minus strand). VCF-style: chr10-63207459-C-T. GRCh37 (hg19) VCF-style: chr10-64967219-C-T.
Other names: c.3664G>A, p.Asp1222Asn (NM_001282948.2, NM_001318154.2); c.3346G>A, p.Asp1116Asn (NM_001318153.2); c.4096G>A, p.Asp1366Asn (NM_001322252.2); c.3553G>A, p.Asp1185Asn (NM_001322254.2, NM_001322258.2); short protein forms D1366N, D1404N, D1185N, D1116N, D1222N.
Identifiers: ClinVar variation 1039293 (VCV001039293.8), dbSNP rs758453317, ClinGen allele CA5518305.